The following is an entry in ClinVar:

ClinVar aggregate classification (germline): Pathogenic/Likely pathogenic. Review status: criteria provided, multiple submitters, no conflicts (2 of 4 stars). 11 submissions from 11 submitters: Pathogenic (6); Likely pathogenic (3). 2 of the submissions do not count toward it. Last evaluated 2026-04-02.

Conditions:
Lynch syndrome 5 (LYNCH5). Also called: Colorectal cancer, hereditary nonpolyposis, type 5; Hereditary non-polyposis colorectal cancer, type 5. Identifiers: Orphanet 144, MedGen C1833477, MONDO:0013710, OMIM 614350. Disease mechanism: loss of function.
Mismatch repair cancer syndrome 3. Identifiers: MedGen C5436807, MONDO:0030841, OMIM 619097.
Endometrial carcinoma. Also called: Endometrial carcinoma, somatic. Identifiers: MedGen C0476089, MONDO:0002447, OMIM 608089, HP:0012114.
Hereditary nonpolyposis colorectal neoplasms. Identifiers: MedGen C0009405, MeSH D003123.
Hereditary cancer-predisposing syndrome. Also called: Hereditary neoplastic syndrome; Hereditary Cancer Syndrome; Neoplastic Syndromes, Hereditary; Tumor predisposition. Identifiers: Orphanet 140162, MedGen C0027672, MeSH D009386, MONDO:0015356.

Allele frequency attached by ClinVar (database versions not stated): gnomAD exomes below 0.00001; ExAC 0.00001.

Submissions (11):

Ambry Genetics
Classification: Pathogenic for Hereditary cancer-predisposing syndrome. Last evaluated: 2026-04-02. Review status: criteria provided, single submitter. Criteria: Ambry Variant Classification Scheme 2023. Collection method: clinical testing. Allele origin: germline.
Comment: The c.3753_3756dupATTA pathogenic mutation, located in coding exon 8 of the MSH6 gene, results from a duplication of ATTA at nucleotide position 3753, causing a translational frameshift with a predicted alternate stop codon (p.V1253Ifs*23). This variant is considered to be rare based on population cohorts in the Genome Aggregation Database (gnomAD). This alteration is expected to result in loss of function by premature protein truncation or nonsense-mediated mRNA decay. As such, this alteration is interpreted as a disease-causing mutation.

CeGaT Center for Human Genetics Tuebingen
Classification: Pathogenic. Last evaluated: 2025-07-01. Review status: criteria provided, single submitter. Criteria: CeGaT Center For Human Genetics Tuebingen Variant Classification Criteria Version 2. Collection method: clinical testing. Allele origin: germline. Affected: yes. Observed: 1 variant allele.
Comment: MSH6: PVS1, PM2

Labcorp Genetics (formerly Invitae), Labcorp
Classification: Pathogenic for Hereditary nonpolyposis colorectal neoplasms. Last evaluated: 2024-07-17. Review status: criteria provided, single submitter. Criteria: Invitae Variant Classification Sherloc (09022015). Collection method: clinical testing. Allele origin: germline.
Comment: This sequence change creates a premature translational stop signal (p.Val1253Ilefs*23) in the MSH6 gene. It is expected to result in an absent or disrupted protein product. Loss-of-function variants in MSH6 are known to be pathogenic (PMID: 18269114, 24362816). This variant is present in population databases (rs754183111, gnomAD 0.0009%). This variant has not been reported in the literature in individuals affected with MSH6-related conditions. ClinVar contains an entry for this variant (Variation ID: 234794). For these reasons, this variant has been classified as Pathogenic.

Myriad Genetics, Inc.
Classification: Pathogenic for Lynch syndrome 5. Last evaluated: 2023-03-28. Review status: criteria provided, single submitter. Criteria: Myriad Autosomal Dominant, Autosomal Recessive and X-Linked Classification Criteria (2023). Collection method: clinical testing. Allele origin: unknown.
Comment: This variant is considered pathogenic. This variant creates a frameshift predicted to result in premature protein truncation.

Quest Diagnostics Nichols Institute San Juan Capistrano
Classification: Likely pathogenic. Last evaluated: 2023-01-09. Review status: criteria provided, single submitter. Criteria: Quest Diagnostics criteria. Collection method: clinical testing. Allele origin: unknown.
Comment: The MSH6 c.3753_3756dup (p.Val1253Ilefs*23) variant (also known as c.3753_3756dupATTA, p.V1253IfsX23) alters the translational reading frame of the MSH6 mRNA and is predicted to cause the premature termination of MSH6 protein synthesis. The variant has not been reported in the published literature. It also has not been reported in large, multi-ethnic general populations. Based on the available information, this variant is classified as likely pathogenic.

Color Diagnostics, LLC DBA Color Health
Classification: Pathogenic for Hereditary cancer-predisposing syndrome. Last evaluated: 2022-10-19. Review status: criteria provided, single submitter. Criteria: ACMG Guidelines, 2015. Collection method: clinical testing. Allele origin: germline.
Comment: This variant inserts 4 nucleotides in exon 8 of the MSH6 gene, creating a frameshift and premature translation stop signal. This variant is expected to result in an absent or non-functional protein product. To our knowledge, this variant has not been reported in individuals affected with hereditary cancer in the literature. This variant has not been identified in the general population by the Genome Aggregation Database (gnomAD). Loss of MSH6 function is a known mechanism of disease. Based on the available evidence, this variant is classified as Pathogenic.

Mendelics
Classification: Likely pathogenic for Lynch syndrome 5. Last evaluated: 2019-05-28. Review status: criteria provided, single submitter. Criteria: Mendelics Assertion Criteria 2017. Collection method: clinical testing. Allele origin: unknown.

GeneDx
Classification: Pathogenic. Last evaluated: 2016-08-23. Review status: criteria provided, single submitter. Criteria: GeneDx Variant Classification (06012015). Collection method: clinical testing. Allele origin: germline. Affected: yes.
Comment: This duplication of four nucleotides in MSH6 is denoted c.3753_3756dupATTA at the cDNA level and p.Val1253IlefsX23 (V1253IfsX23) at the protein level. The normal sequence, with the bases that are duplicated in braces, is ATTC[ATTA]GTAG. The duplication causes a frameshift, which changes a Valine to an Isoleucine at codon 1253, and creates a premature stop codon at position 23 of the new reading frame. Although this variant has not, to our knowledge, been reported in the literature, it is predicted to cause loss of normal protein function through either protein truncation or nonsense-mediated mRNA decay. We consider this variant to be pathogenic.

Juno Genomics, Hangzhou Juno Genomics, Inc
Classification: Likely pathogenic for Lynch syndrome 5; Endometrial carcinoma; Mismatch repair cancer syndrome 3. Review status: criteria provided, single submitter. Criteria: ACMG Guidelines, 2015. Collection method: clinical testing. Allele origin: germline.
Comment: Absent from controls (or at extremely low frequency if recessive) in Genome Aggregation Database.;Null variant in a gene where loss of function (LOF) is a known mechanism of disease.

Counsyl
Classification: Likely pathogenic for Lynch syndrome 5. Last evaluated: 2017-01-16. Review status: no assertion criteria provided. Collection method: clinical testing. Allele origin: unknown. Not counted in ClinVar's aggregate classification.

Department of Pathology and Laboratory Medicine, Sinai Health System
Classification: Pathogenic for Endometrial carcinoma. Review status: no assertion criteria provided. Collection method: clinical testing. Allele origin: unknown. Affected: yes. Study: The Canadian Open Genetics Repository (COGR). Not counted in ClinVar's aggregate classification.
Comment: The MSH6 p.Val1253IlefsX23 variant was not identified in the literature nor was it identified in dbSNP, (1000 Genomes Project), NHLBI Exome Sequencing Project (Exome Variant Server), Exome Aggregation Consortium (ExAC) database, Clinvitae database, COSMIC, â€šÃ„ÃºMismatch Repair Genes Variant Databaseâ€šÃ„Ã¹, â€šÃ„ÃºMMR Gene Unclassified Variants Databaseâ€šÃ„Ã¹, InSiGHT Colon Cancer Gene Variant Database, â€šÃ„ÃºZhejiang Colon Cancer Databaseâ€šÃ„Ã¹, the ClinVar database, GeneInsight COGR database, and UMD. The c.3753_3756dupATTA variant is predicted to cause a frameshift, which alters the protein's amino acid sequence beginning at codon 1253 and leads to a premature stop codon 23 codons downstream. This alteration is then predicted to result in a truncated or absent protein and loss of function. Loss of function variants of the MSH6 gene are an established mechanism of disease in Lynch syndrome and this is the type of variant expected to cause the disorder. In summary, based on the above information, this variant meets our laboratoryâ€šÃ„Ã´s criteria to be classified as pathogenic.

Literature cited by the submitters: PubMed 18269114 (cited by Labcorp Genetics (formerly Invitae), Labcorp); PubMed 24362816 (cited by Labcorp Genetics (formerly Invitae), Labcorp).

NM_000179.3(MSH6):c.3753_3756dup (p.Val1253fs)

Gene: MSH6 (mutS homolog 6; plus strand). Cytogenetic location: 2p16.3.
Variant type: Duplication.
Coding change: c.3753_3756dup on transcript NM_000179.3 (MANE Select); coding-DNA positions 3753 to 3756, 4 bases duplicated (ATTA; older notation c.3753_3756dupATTA).
Protein change: p.Val1253fs; shifts the reading frame from valine 1253.
Molecular consequence: frameshift variant.
Genome position (GRCh38, 1-based): chr2:47,806,310-47,806,313, ATTA duplicated. VCF-style (leftmost placement, unchanged base first): chr2-47806309-C-CATTA. GRCh37 (hg19) VCF-style: chr2-48033448-C-CATTA.
Other names: c.3753_3756dupATTA (NM_000179.2); c.3363_3366dup, p.Val1123fs (NM_001281492.2); c.2847_2850dup, p.Val951fs (NM_001281493.2, NM_001281494.2); c.3753_3756dup (NM_000179.2); short protein forms V1253fs, V1123fs, V951fs.
Identifiers: ClinVar variation 234794 (VCV000234794.30), dbSNP rs876661222, ClinGen allele CA071953.
Genomic context (GRCh38, chr2:47,806,309, plus strand): 5'-TTGTTAAAGAACTTGCTGAGACTATAAAATGTCGTACATTATTTTCAACTCACTACCATT[C>CATTA]ATTAGTAGAAGATTATTCTCAAAATGTTGCTGTGCGCCTAGGACATATGGTATGTGCAAA-3'